The following is an entry in ClinVar:

NM_002439.5(MSH3):c.1625dup (p.Leu542fs)

Gene: MSH3 (mutS homolog 3; plus strand). Cytogenetic location: 5q14.1.
Variant type: Duplication.
Coding change: c.1625dup on transcript NM_002439.5 (MANE Select); coding-DNA position 1625, one base duplicated (T; older notation c.1625dupT).
Protein change: p.Leu542fs; shifts the reading frame from leucine 542.
Molecular consequence: frameshift variant.
Genome position (GRCh38, 1-based): chr5:80,741,520, T duplicated; the last of 2 consecutive T bases (chr5:80,741,519-80,741,520); duplicating either gives the same sequence. VCF-style (leftmost placement, unchanged base first): chr5-80741518-A-AT. GRCh37 (hg19) VCF-style: chr5-80037337-A-AT.
Other names: c.1625dupT (NM_002439.4); short protein forms L542fs.
Identifiers: ClinVar variation 953524 (VCV000953524.17), dbSNP rs775863622, ClinGen allele CA3327984.

ClinVar aggregate classification (germline): Pathogenic/Likely pathogenic. Review status: criteria provided, multiple submitters, no conflicts (2 of 4 stars). 8 submissions from 8 submitters: Pathogenic (3); Likely pathogenic (5). Last evaluated 2025-10-13.

Conditions:
Endometrial carcinoma. Also called: Endometrial carcinoma, somatic. Identifiers: MedGen C0476089, MONDO:0002447, OMIM 608089, HP:0012114.
Familial adenomatous polyposis 4 (FAP4). Also called: MSH3-related attenuated familial adenomatous polyposis. Identifiers: Orphanet 480536, MedGen C4310719, MONDO:0044300, OMIM 617100.
Hereditary cancer-predisposing syndrome. Also called: Hereditary neoplastic syndrome; Tumor predisposition; Neoplastic Syndromes, Hereditary; Hereditary Cancer Syndrome. Identifiers: Orphanet 140162, MedGen C0027672, MeSH D009386, MONDO:0015356.

Submissions (8):

Labcorp Genetics (formerly Invitae), Labcorp
Classification: Pathogenic. Last evaluated: 2025-10-13. Review status: criteria provided, single submitter. Criteria: Invitae Variant Classification Sherloc (09022015). Collection method: clinical testing. Allele origin: germline.
Comment: This sequence change creates a premature translational stop signal (p.Leu542Phefs*12) in the MSH3 gene. It is expected to result in an absent or disrupted protein product. Loss-of-function variants in MSH3 are known to be pathogenic (PMID: 27476653, 37402566). This variant is present in population databases (rs775863622, gnomAD 0.01%). This variant has not been reported in the literature in individuals affected with MSH3-related conditions. ClinVar contains an entry for this variant (Variation ID: 953524). For these reasons, this variant has been classified as Pathogenic.

Quest Diagnostics Nichols Institute San Juan Capistrano
Classification: Likely pathogenic. Last evaluated: 2025-09-30. Review status: criteria provided, single submitter. Criteria: Quest Diagnostics criteria. Collection method: clinical testing. Allele origin: unknown.
Comment: The MSH3 c.1625dup (p.Leu542Phefs*12) variant alters the translational reading frame of the MSH3 mRNA and is predicted to cause the premature termination of MSH3 protein synthesis. This variant has been reported in the published literature in an individual with acute myeloid leukemia (PMID: 38572560 (2024), 34250384 (2021)). The frequency of this variant in the general population (Genome Aggregation Database) is consistent with pathogenicity. Based on the available information, this variant is classified as likely pathogenic.

Ambry Genetics
Classification: Pathogenic for Hereditary cancer-predisposing syndrome. Last evaluated: 2024-03-25. Review status: criteria provided, single submitter. Criteria: Ambry Variant Classification Scheme 2023. Collection method: clinical testing. Allele origin: germline.
Comment: The c.1625dupT pathogenic mutation, located in coding exon 11 of the MSH3 gene, results from a duplication of T at nucleotide position 1625, causing a translational frameshift with a predicted alternate stop codon (p.L542Ffs*12). This variant is considered to be rare based on population cohorts in the Genome Aggregation Database (gnomAD). This alteration is expected to result in loss of function by premature protein truncation or nonsense-mediated mRNA decay. As such, this alteration is interpreted as a disease-causing mutation.

Fulgent Genetics
Classification: Likely pathogenic for Endometrial carcinoma; Familial adenomatous polyposis 4. Last evaluated: 2024-03-19. Review status: criteria provided, single submitter. Criteria: ACMG Guidelines, 2015. Collection method: clinical testing. Allele origin: germline.

Baylor Genetics
Classification: Likely pathogenic for Endometrial carcinoma. Last evaluated: 2023-11-24. Review status: criteria provided, single submitter. Criteria: ACMG Guidelines, 2015. Collection method: clinical testing. Allele origin: unknown.

GeneDx
Classification: Likely pathogenic. Last evaluated: 2023-11-13. Review status: criteria provided, single submitter. Criteria: GeneDx Variant Classification Process June 2021. Collection method: clinical testing. Allele origin: germline. Affected: yes.
Comment: Frameshift variant predicted to result in protein truncation or nonsense mediated decay in a gene for which loss of function is a known mechanism of disease; Not observed at significant frequency in large population cohorts (gnomAD); Has not been previously published as pathogenic or benign to our knowledge

Myriad Genetics, Inc.
Classification: Pathogenic for Familial adenomatous polyposis 4. Last evaluated: 2023-08-30. Review status: criteria provided, single submitter. Criteria: Myriad Autosomal Dominant, Autosomal Recessive and X-Linked Classification Criteria (2023). Collection method: clinical testing. Allele origin: unknown.
Comment: This variant is considered pathogenic. This variant creates a frameshift predicted to result in premature protein truncation.

Sema4
Classification: Likely pathogenic for Hereditary cancer-predisposing syndrome. Last evaluated: 2022-01-14. Review status: criteria provided, single submitter. Criteria: Sema4 Curation Guidelines. Collection method: curation. Allele origin: germline.
Comment: The MSH3 c.1625dupT (p.L542FfsX12) variant has been reported in at least one individual with thyroid cancer (PMID: 34250384). This variant causes a frameshift at amino acid 542 that results in premature termination 12 amino acids downstream. At this location, this is predicted to cause nonsense-mediated decay and result in an absent protein (loss of function). Loss of function variants in MSH3 are known to be pathogenic (PMID: 27476653). It was observed in 2/16176 chromosomes of the African/African American (AFR) subpopulation in the Genome Aggregation Database (PMID: 32461654), and has been reported in ClinVar (Variation ID: 953524). Based on the current evidence available, this variant is interpreted as likely pathogenic.

Literature cited by the submitters: PubMed 27476653 (cited by Labcorp Genetics (formerly Invitae), Labcorp and Sema4); PubMed 37402566 (cited by Labcorp Genetics (formerly Invitae), Labcorp); PubMed 34250384 (cited by Quest Diagnostics Nichols Institute San Juan Capistrano and Sema4); PubMed 38572560 (cited by Quest Diagnostics Nichols Institute San Juan Capistrano).